The following is an entry in ClinVar:

NM_001876.4(CPT1A):c.1658C>T (p.Ala553Val)

Gene: CPT1A (carnitine palmitoyltransferase 1A; minus strand). Cytogenetic location: 11q13.3.
Variant type: single nucleotide variant.
Coding change: c.1658C>T on transcript NM_001876.4 (MANE Select); coding-DNA position 1658, C replaced by T.
Protein change: p.Ala553Val; replaces alanine 553 with valine.
Molecular consequence: missense variant.
Genome position (GRCh38, 1-based): chr11:68,773,347, G>A on the plus strand (C>T on the coding strand, the complement: CPT1A is on the minus strand). VCF-style: chr11-68773347-G-A. GRCh37 (hg19) VCF-style: chr11-68540815-G-A.
Other names: c.1658C>T, p.Ala553Val (NM_001031847.3); short protein forms A553V.
Identifiers: ClinVar variation 1450259 (VCV001450259.8), dbSNP rs2153996784, ClinGen allele CA381628786.
Genomic context (GRCh38, chr11:68,773,347, plus strand): 5'-GCCAGCTGCACAAAGGCGTCTGGGCTCGTGCGACATTTCTTGATGATTCCTTTACCAAAG[G>A]CTACGAATGGGAAGGAATGGAAATCCACGTCGTTTGCCAGAAGATTTGCGGTGTTCAGGG-3'
Protein context (NP_001867.2, residues 543-563): DVDFHSFPFV[Ala553Val]FGKGIIKKCR

ClinVar aggregate classification (germline): Uncertain significance (1 of 4 stars; one submission).

Conditions:
Carnitine palmitoyl transferase 1A deficiency. Also called: CPT deficiency, hepatic, type IA; CPT I DEFICIENCY; CPT DEFICIENCY, HEPATIC, TYPE I; Carnitine palmitoyltransferase type I deficiency; Carnitine palmitoyltransferase 1A deficiency. Identifiers: Orphanet 156, MedGen C1829703, MONDO:0009705, OMIM 255120.

Submission:

Labcorp Genetics (formerly Invitae), Labcorp
Classification: Uncertain significance for Carnitine palmitoyl transferase 1A deficiency. Last evaluated: 2022-10-24. Review status: criteria provided, single submitter. Criteria: Invitae Variant Classification Sherloc (09022015). Collection method: clinical testing. Allele origin: germline.
Comment: In summary, the available evidence is currently insufficient to determine the role of this variant in disease. Therefore, it has been classified as a Variant of Uncertain Significance. Advanced modeling of protein sequence and biophysical properties (such as structural, functional, and spatial information, amino acid conservation, physicochemical variation, residue mobility, and thermodynamic stability) performed at Invitae indicates that this missense variant is not expected to disrupt CPT1A protein function. ClinVar contains an entry for this variant (Variation ID: 1450259). This variant has not been reported in the literature in individuals affected with CPT1A-related conditions. This variant is not present in population databases (gnomAD no frequency). This sequence change replaces alanine, which is neutral and non-polar, with valine, which is neutral and non-polar, at codon 553 of the CPT1A protein (p.Ala553Val).